The following is an entry in ClinVar:

NM_000138.5(FBN1):c.1849T>C (p.Cys617Arg)

Gene: FBN1 (fibrillin 1; minus strand). Cytogenetic location: 15q21.1.
Variant type: single nucleotide variant.
Coding change: c.1849T>C on transcript NM_000138.5 (MANE Select); coding-DNA position 1849, T replaced by C.
Protein change: p.Cys617Arg; replaces cysteine 617 with arginine.
Molecular consequence: missense variant.
Genome position (GRCh38, 1-based): chr15:48,505,136, A>G on the plus strand (T>C on the coding strand, the complement: FBN1 is on the minus strand). VCF-style: chr15-48505136-A-G. GRCh37 (hg19) VCF-style: chr15-48797333-A-G.
Other names: short protein forms C617R.
Identifiers: ClinVar variation 549054 (VCV000549054.32), dbSNP rs1060501017, ClinGen allele CA392339187.
Genomic context (GRCh38, chr15:48,505,136, plus strand): 5'-ATCTGTAGGAGCCATCAGTGTTGACGCAACGCCCATTCATGCAGATCCCAGGGGTTTCAC[A>G]CTCGTTAATGTCTGTGGCAGAGAAAGGCACTTATTAAAAATGAAGTGACATTTATCTAAA-3'
Protein context (NP_000129.3, residues 607-627): DGRYCKDINE[Cys617Arg]ETPGICMNGR

ClinVar aggregate classification (germline): Pathogenic/Likely pathogenic. Review status: criteria provided, multiple submitters, no conflicts (2 of 4 stars). 6 submissions from 6 submitters: Pathogenic (4); Likely pathogenic (1). 1 of the submissions does not count toward it. Last evaluated 2025-02-26.

Conditions:
Isolated thoracic aortic aneurysm.
Familial thoracic aortic aneurysm and aortic dissection (TAAD). Also called: Thoracic aortic aneurysms and dissections. Identifiers: Orphanet 91387, MedGen C4707243, MONDO:0019625.
Marfan syndrome (MFS). Also called: Marfan syndrome type 1; Marfan syndrome, classic; Marfan's syndrome; FBN1-Related Marfan Syndrome; MARFAN SYNDROME, TYPE I. Identifiers: Orphanet 284963, Orphanet 558, MedGen C0024796, MONDO:0007947, OMIM 154700.

Submissions (6):

GeneDx
Classification: Pathogenic. Last evaluated: 2025-02-26. Review status: criteria provided, single submitter. Criteria: GeneDx Variant Classification Process June 2021. Collection method: clinical testing. Allele origin: germline. Affected: yes.
Comment: Affects a cysteine residue within an EGF-like domain of the FBN1 gene, which may affect disulfide bonding and is predicted to alter the structure and function of the protein; cysteine substitutions in the EGF-like domains represent the majority of pathogenic missense changes associated with FBN1-related disorders (PMID: 12938084); Not observed at significant frequency in large population cohorts (gnomAD); In silico analysis supports that this missense variant has a deleterious effect on protein structure/function; This variant is associated with the following publications: (PMID: 12938084, 29357934, 35058154, 33824467)

Ambry Genetics
Classification: Pathogenic for Familial thoracic aortic aneurysm and aortic dissection. Last evaluated: 2025-01-24. Review status: criteria provided, single submitter. Criteria: Ambry Variant Classification Scheme 2023. Collection method: clinical testing. Allele origin: germline.
Comment: The p.C617R pathogenic mutation (also known as c.1849T>C), located in coding exon 15 of the FBN1 gene, results from a T to C substitution at nucleotide position 1849. The cysteine at codon 617 is replaced by arginine, an amino acid with highly dissimilar properties. The majority of FBN1 mutations identified to date have involved the substitution or generation of cysteine residues within cbEGF domains (Vollbrandt T et al. J Biol Chem. 2004;279(31):32924-32931). This variant was reported in individual(s) with features consistent with Marfan syndrome (MFS) (Becerra-Mu&ntilde;oz VM et al. Orphanet J Rare Dis, 2018 Jan;13:16; Li Y et al. Eur J Hum Genet, 2021 Jul;29:1129-1138; Meester JAN et al. Genet Med, 2022 May;24:1045-1053). Other variant(s) at the same codon, p.C617Y (c.1850G>A) have been identified in individual(s) with features consistent with MFS (Gezdirici A et al. J Hum Genet. 2021 Jul;66(7):647-657). Internal structural analysis indicates this alteration eliminates a disulfide bond critical for the structural integrity of the cbEGF6 domain (Ambry internal data). This amino acid position is highly conserved in available vertebrate species. In addition, this alteration is predicted to be deleterious by in silico analysis. This variant is considered to be rare based on population cohorts in the Genome Aggregation Database (gnomAD). Based on the supporting evidence, this variant is interpreted as a disease-causing mutation.

Labcorp Genetics (formerly Invitae), Labcorp
Classification: Pathogenic for Marfan syndrome; Familial thoracic aortic aneurysm and aortic dissection. Last evaluated: 2023-12-06. Review status: criteria provided, single submitter. Criteria: Invitae Variant Classification Sherloc (09022015). Collection method: clinical testing. Allele origin: germline.
Comment: This sequence change replaces cysteine, which is neutral and slightly polar, with arginine, which is basic and polar, at codon 617 of the FBN1 protein (p.Cys617Arg). This variant is not present in population databases (gnomAD no frequency). This missense change has been observed in individuals with Marfan syndrome (PMID: 29357934; Invitae). ClinVar contains an entry for this variant (Variation ID: 549054). Advanced modeling of protein sequence and biophysical properties (such as structural, functional, and spatial information, amino acid conservation, physicochemical variation, residue mobility, and thermodynamic stability) performed at Invitae indicates that this missense variant is expected to disrupt FBN1 protein function with a positive predictive value of 95%. This variant affects a cysteine residue in the EGF-like, TGFBP or hybrid motif domains of FBN1. Cysteine residues are believed to be involved in intramolecular disulfide bridges and have been shown to be important for FBN1 protein structure (PMID: 16905551, 19349279). In addition, missense substitutions affecting cysteine residues within these domains are significantly overrepresented among patients with Marfan syndrome (PMID: 16571647, 17701892). This variant disrupts the p.Cys617 amino acid residue in FBN1. Other variant(s) that disrupt this residue have been observed in individuals with FBN1-related conditions (PMID: 21542060, 27906200), which suggests that this may be a clinically significant amino acid residue. For these reasons, this variant has been classified as Pathogenic.

Centre of Medical Genetics, University of Antwerp
Classification: Pathogenic for Marfan syndrome. Last evaluated: 2021-03-01. Review status: criteria provided, single submitter. Criteria: Submitter's publication. Collection method: research. Allele origin: unknown. Affected: yes.
Comment: PM2, PVS2, PP4

Department of Vascular Biology, Beijing Anzhen Hospital
Classification: Likely pathogenic for Isolated thoracic aortic aneurysm. Last evaluated: 2018-09-01. Review status: criteria provided, single submitter. Criteria: ACMG Guidelines, 2015. Collection method: research. Allele origin: germline. Affected: yes.

Center for Medical Genetics Ghent, University of Ghent
Classification: Likely pathogenic for Marfan syndrome. Last evaluated: 2017-11-07. Review status: no assertion criteria provided. Collection method: clinical testing. Allele origin: germline. Affected: yes. Not counted in ClinVar's aggregate classification.

Literature cited by the submitters: PubMed 29357934 (cited by Ambry Genetics and Labcorp Genetics (formerly Invitae), Labcorp); PubMed 33824467 (cited by Ambry Genetics); PubMed 35058154 (cited by Ambry Genetics); PubMed 16905551 (cited by Labcorp Genetics (formerly Invitae), Labcorp); PubMed 19349279 (cited by Labcorp Genetics (formerly Invitae), Labcorp); PubMed 16571647 (cited by Labcorp Genetics (formerly Invitae), Labcorp); PubMed 17701892 (cited by Labcorp Genetics (formerly Invitae), Labcorp); PubMed 21542060 (cited by Labcorp Genetics (formerly Invitae), Labcorp); PubMed 27906200 (cited by Labcorp Genetics (formerly Invitae), Labcorp).